The following is an entry in ClinVar:

ClinVar aggregate classification (germline): Likely pathogenic (1 of 4 stars; one submission).

Conditions:
Zellweger spectrum disorders (ZS). Also called: Zellweger Spectrum Disorder (ZSD); Zellweger syndrome; Zellweger Spectrum Disorder; Zellweger Spectrum. Identifiers: Orphanet 912, MedGen C0043459, MONDO:0019609.

Allele frequency attached by ClinVar (database versions not stated): gnomAD exomes below 0.00001 and 0.00001; ExAC 0.00002.

Submission:

Labcorp Genetics (formerly Invitae), Labcorp
Classification: Likely pathogenic for Zellweger spectrum disorders. Last evaluated: 2023-04-14. Review status: criteria provided, single submitter. Criteria: Invitae Variant Classification Sherloc (09022015). Collection method: clinical testing. Allele origin: germline.
Comment: In summary, the currently available evidence indicates that the variant is pathogenic, but additional data are needed to prove that conclusively. Therefore, this variant has been classified as Likely Pathogenic. Algorithms developed to predict the effect of sequence changes on RNA splicing suggest that this variant may disrupt the consensus splice site. ClinVar contains an entry for this variant (Variation ID: 1067737). This variant has not been reported in the literature in individuals affected with PEX1-related conditions. This variant is present in population databases (rs771586413, gnomAD 0.002%). This sequence change affects a donor splice site in intron 15 of the PEX1 gene. It is expected to disrupt RNA splicing. Variants that disrupt the donor or acceptor splice site typically lead to a loss of protein function (PMID: 16199547), and loss-of-function variants in PEX1 are known to be pathogenic (PMID: 9398847, 16086329, 16141001, 21031596, 26387595, 31831025).

Literature cited by the submitters: PubMed 16199547; PubMed 9398847; PubMed 16086329; PubMed 16141001; PubMed 21031596; PubMed 26387595; PubMed 31831025.

NM_000466.3(PEX1):c.2583+1G>T

Gene: PEX1 (peroxisomal biogenesis factor 1; minus strand). Cytogenetic location: 7q21.2.
Variant type: single nucleotide variant.
Coding change: c.2583+1G>T on transcript NM_000466.3 (MANE Select); the canonical splice donor site of the intron after coding-DNA position 2583, G replaced by T.
Molecular consequence: splice donor variant.
Genome position (GRCh38, 1-based): chr7:92,501,506, C>A on the plus strand (G>T on the coding strand, the complement: PEX1 is on the minus strand). VCF-style: chr7-92501506-C-A. GRCh37 (hg19) VCF-style: chr7-92130820-C-A.
Other names: c.2412+1G>T (NM_001282677.2); c.1959+1G>T (NM_001282678.2).
Identifiers: ClinVar variation 1067737 (VCV001067737.7), dbSNP rs771586413, ClinGen allele CA4341103.
Genomic context (GRCh38, chr7:92,501,506, plus strand): 5'-AGCCAATAATACAGTGGTTCTTCTGGGAGTAAGTATTCACTTTTTCTTTTTTTAAACATA[C>A]CTTGGCAGGTAACTGGATAGTATCCATGAGTATCTGCCTAACTTCATGTAACCCACCAAT-3'